The following is an entry in ClinVar:

ClinVar aggregate classification (germline): Uncertain significance. Review status: criteria provided, multiple submitters, no conflicts (2 of 4 stars). 2 submissions from 2 submitters: Uncertain significance (2). Last evaluated 2024-12-03.

Conditions:
Inborn genetic diseases. Identifiers: MedGen C0950123, MeSH D030342.

Allele frequency attached by ClinVar (database versions not stated): TOPMed 0.00001; gnomAD 0.00002; ExAC 0.00003; gnomAD exomes 0.00003.
gnomAD v4.1: 48 of 1,613,434 alleles (0.003%); highest among the groups gnomAD compares: Non-Finnish European, 0.0039%; no homozygotes.

Submissions (2):

Ambry Genetics
Classification: Uncertain significance for Inborn genetic diseases. Last evaluated: 2024-12-03. Review status: criteria provided, single submitter. Criteria: Ambry Variant Classification Scheme 2023. Collection method: clinical testing. Allele origin: germline.

Labcorp Genetics (formerly Invitae), Labcorp
Classification: Uncertain significance. Last evaluated: 2023-10-03. Review status: criteria provided, single submitter. Criteria: Invitae Variant Classification Sherloc (09022015). Collection method: clinical testing. Allele origin: germline.
Comment: This sequence change replaces glutamic acid, which is acidic and polar, with glutamine, which is neutral and polar, at codon 172 of the MME protein (p.Glu172Gln). This variant is present in population databases (rs200164975, gnomAD 0.007%). This variant has not been reported in the literature in individuals affected with MME-related conditions. ClinVar contains an entry for this variant (Variation ID: 1494989). Advanced modeling of protein sequence and biophysical properties (such as structural, functional, and spatial information, amino acid conservation, physicochemical variation, residue mobility, and thermodynamic stability) performed at Invitae indicates that this missense variant is not expected to disrupt MME protein function. In summary, the available evidence is currently insufficient to determine the role of this variant in disease. Therefore, it has been classified as a Variant of Uncertain Significance.

NM_007289.4(MME):c.514G>C (p.Glu172Gln)

Gene: MME (membrane metalloendopeptidase; plus strand). Cytogenetic location: 3q25.2.
Variant type: single nucleotide variant.
Coding change: c.514G>C on transcript NM_007289.4 (MANE Select); coding-DNA position 514, G replaced by C.
Protein change: p.Glu172Gln; replaces glutamic acid 172 with glutamine.
Molecular consequence: missense variant.
Genome position (GRCh38, 1-based): chr3:155,116,738, G>C. VCF-style: chr3-155116738-G-C. GRCh37 (hg19) VCF-style: chr3-154834527-G-C.
Other names: c.514G>C, p.Glu172Gln (NM_000902.5, NM_001354642.2, NM_001354643.1 and 2 more transcripts); c.514G>C (NM_007289.2); short protein forms E172Q.
Identifiers: ClinVar variation 1494989 (VCV001494989.6), dbSNP rs200164975, ClinGen allele CA2675185.